The following is an entry in ClinVar:

NM_001379110.1(SLC9A6):c.163A>G (p.Ile55Val)

Genes: SLC9A6 (solute carrier family 9 member A6; plus strand), LOC130068747 (ATAC-STARR-seq lymphoblastoid active region 29988; plus strand). Cytogenetic location: Xq26.3.
Variant type: single nucleotide variant.
Coding change: c.163A>G on transcript NM_001379110.1 (MANE Select); coding-DNA position 163, A replaced by G.
Protein change: p.Ile55Val; replaces isoleucine 55 with valine.
Molecular consequence: missense variant.
Genome position (GRCh38, 1-based): chrX:135,985,821, A>G. VCF-style: chrX-135985821-A-G. GRCh37 (hg19) VCF-style: chrX-135067980-A-G.
Other names: c.319A>G, p.Ile107Val (NM_001042537.2, NM_006359.3); c.163A>G, p.Ile55Val (NM_001177651.2, NM_001330652.2, NM_001400909.1 and 4 more transcripts); short protein forms I107V, I55V.
Identifiers: ClinVar variation 2637463 (VCV002637463.4), dbSNP rs782552712, ClinGen allele CA10524620.

ClinVar aggregate classification (germline): Uncertain significance. Review status: criteria provided, multiple submitters, no conflicts (2 of 4 stars). 2 submissions from 2 submitters: Uncertain significance (2). Last evaluated 2023-10-25.

Conditions:
Christianson syndrome (MRXSCH). Also called: X-linked mental retardation, syndromic, Christianson type; SLC9A6-Related Syndromic Mental Retardation; INTELLECTUAL DEVELOPMENTAL DISORDER, X-LINKED, SYNDROMIC, CHRISTIANSON TYPE. Identifiers: Orphanet 85278, MedGen C2678194, MONDO:0010278, OMIM 300243.

Allele frequency attached by ClinVar (database versions not stated): gnomAD exomes below 0.00001; ExAC 0.00001.
gnomAD v4.1: 1 of 1,210,698 alleles (0.000083%); highest among the groups gnomAD compares: Admixed American, 0.0022%; no homozygotes.

Submissions (2):

Women's Health and Genetics/Laboratory Corporation of America, LabCorp
Classification: Uncertain significance. Last evaluated: 2023-10-25. Review status: criteria provided, single submitter. Criteria: LabCorp Variant Classification Summary - May 2015. Collection method: clinical testing. Allele origin: germline.
Comment: Variant summary: SLC9A6 c.319A>G (p.Ile107Val) results in a conservative amino acid change located in the Cation/H+ exchanger (IPR006153) of the encoded protein sequence. Four of five in-silico tools predict a benign effect of the variant on protein function. The variant allele was found at a frequency of 5.5e-06 in 182605 control chromosomes (gnomAD). The available data on variant occurrences in the general population are insufficient to allow any conclusion about variant significance. To our knowledge, no occurrence of c.319A>G in individuals affected with Christianson Syndrome and no experimental evidence demonstrating its impact on protein function have been reported. No submitters have cited clinical-significance assessments for this variant to ClinVar after 2014. Based on the evidence outlined above, the variant was classified as uncertain significance.

Labcorp Genetics (formerly Invitae), Labcorp
Classification: Uncertain significance for Christianson syndrome. Last evaluated: 2023-01-19. Review status: criteria provided, single submitter. Criteria: Invitae Variant Classification Sherloc (09022015). Collection method: clinical testing. Allele origin: germline.
Comment: In summary, the available evidence is currently insufficient to determine the role of this variant in disease. Therefore, it has been classified as a Variant of Uncertain Significance. Advanced modeling of protein sequence and biophysical properties (such as structural, functional, and spatial information, amino acid conservation, physicochemical variation, residue mobility, and thermodynamic stability) performed at Invitae indicates that this missense variant is not expected to disrupt SLC9A6 protein function. This variant has not been reported in the literature in individuals affected with SLC9A6-related conditions. This variant is present in population databases (rs782552712, gnomAD 0.004%). This sequence change replaces isoleucine, which is neutral and non-polar, with valine, which is neutral and non-polar, at codon 107 of the SLC9A6 protein (p.Ile107Val).